The following is an entry in ClinVar:

NM_001267052.2(UNC45B):c.1302C>T (p.Arg434=)

Gene: UNC45B (unc-45 myosin chaperone B; plus strand). Cytogenetic location: 17q12.
Variant type: single nucleotide variant.
Coding change: c.1302C>T on transcript NM_001267052.2 (MANE Select); coding-DNA position 1302, C replaced by T.
Protein change: p.Arg434=; no amino-acid change (arginine 434 retained).
Molecular consequence: synonymous variant.
Genome position (GRCh38, 1-based): chr17:35,168,211, C>T. VCF-style: chr17-35168211-C-T. GRCh37 (hg19) VCF-style: chr17-33495230-C-T.
Other names: c.1302C>T, p.Arg434= (NM_001033576.2, NM_001308281.1, NM_173167.3).
Identifiers: ClinVar variation 3036876 (VCV003036876.2), dbSNP rs113010242, ClinGen allele CA8501104.

ClinVar aggregate classification (germline): Likely benign (0 of 4 stars; one submission).

Conditions:
UNC45B-related disorder. Also called: UNC45B-related condition.

Allele frequency attached by ClinVar (database versions not stated): ExAC 0.00007; gnomAD 0.00007; TOPMed 0.00008.
gnomAD v4.1: 114 of 1,596,180 alleles (0.0071%); highest among the groups gnomAD compares: Admixed American, 0.017%; no homozygotes.

Submission:

PreventionGenetics, part of Exact Sciences
Classification: Likely benign for UNC45B-related condition. Last evaluated: 2021-12-17. Review status: no assertion criteria provided. Collection method: clinical testing. Allele origin: germline.
Comment: This variant is classified as likely benign based on ACMG/AMP sequence variant interpretation guidelines (Richards et al. 2015 PMID: 25741868, with internal and published modifications).